The following is an entry in ClinVar:

ClinVar aggregate classification (germline): Uncertain significance (1 of 4 stars; one submission).

Conditions:
Smith-Lemli-Opitz syndrome (SLOS). Also called: 7-Dehydrocholesterol reductase deficiency; LETHAL ACRODYSGENITAL SYNDROME; POLYDACTYLY, SEX REVERSAL, RENAL HYPOPLASIA, AND UNILOBAR LUNG; RSH SYNDROME; RUTLEDGE LETHAL MULTIPLE CONGENITAL ANOMALY SYNDROME. Identifiers: Orphanet 818, MedGen C0175694, MONDO:0010035, OMIM 270400.

Submission:

Labcorp Genetics (formerly Invitae), Labcorp
Classification: Uncertain significance for Smith-Lemli-Opitz syndrome. Last evaluated: 2022-08-23. Review status: criteria provided, single submitter. Criteria: Invitae Variant Classification Sherloc (09022015). Collection method: clinical testing. Allele origin: germline.
Comment: This variant has not been reported in the literature in individuals affected with DHCR7-related conditions. This sequence change replaces aspartic acid, which is acidic and polar, with glycine, which is neutral and non-polar, at codon 458 of the DHCR7 protein (p.Asp458Gly). This variant is not present in population databases (gnomAD no frequency). Advanced modeling of protein sequence and biophysical properties (such as structural, functional, and spatial information, amino acid conservation, physicochemical variation, residue mobility, and thermodynamic stability) performed at Invitae indicates that this missense variant is expected to disrupt DHCR7 protein function. In summary, the available evidence is currently insufficient to determine the role of this variant in disease. Therefore, it has been classified as a Variant of Uncertain Significance.

NM_001360.3(DHCR7):c.1373A>G (p.Asp458Gly)

Gene: DHCR7 (7-dehydrocholesterol reductase; minus strand). Cytogenetic location: 11q13.4.
Variant type: single nucleotide variant.
Coding change: c.1373A>G on transcript NM_001360.3 (MANE Select); coding-DNA position 1373, A replaced by G.
Protein change: p.Asp458Gly; replaces aspartic acid 458 with glycine.
Molecular consequence: missense variant.
Genome position (GRCh38, 1-based): chr11:71,435,430, T>C on the plus strand (A>G on the coding strand, the complement: DHCR7 is on the minus strand). VCF-style: chr11-71435430-T-C. GRCh37 (hg19) VCF-style: chr11-71146476-T-C.
Other names: c.1373A>G, p.Asp458Gly (NM_001163817.2); short protein forms D458G.
Identifiers: ClinVar variation 1969075 (VCV001969075.5), dbSNP rs2539207818, ClinGen allele CA381700598.
Genomic context (GRCh38, chr11:71,435,430, plus strand): 5'-TGCCCTTAGAAGATTCCAGGCAGCAGGCGGTAAGGCACTGCGGCGGTGTAGCGCTCCCAG[T>C]CCCGGCCGTACTTGCTGGCGCAGCGGTGCTCGTCCCGGAGGCAGCGGTGGGTCAGCAGGA-3'
Protein context (NP_001351.2, residues 448-468): EHRCASKYGR[Asp458Gly]WERYTAAVPY